The following is an entry in ClinVar:

ClinVar aggregate classification (germline): Benign (1 of 4 stars; one submission).

Conditions:
Ellis-van Creveld syndrome (EVC). Also called: EVC-Related Ellis-van Creveld Syndrome; EVC2-Related Ellis-van Creveld Syndrome; MESOECTODERMAL DYSPLASIA; Chondroectodermal dysplasia. Identifiers: Orphanet 289, MedGen C0013903, MONDO:0009162, OMIM 225500.

Allele frequency attached by ClinVar (database versions not stated): gnomAD 0.00321 and 0.00352; TOPMed 0.00385; 1000 Genomes Project 0.00419; 1000 Genomes Project 30x 0.00422.

Submission:

Illumina Laboratory Services, Illumina
Classification: Benign for Ellis-van Creveld syndrome. Last evaluated: 2018-01-13. Review status: criteria provided, single submitter. Criteria: ICSL Variant Classification Criteria 13 December 2019. Collection method: clinical testing. Allele origin: germline.
Comment: This variant was observed in the ICSL laboratory as part of a predisposition screen in an ostensibly healthy population. It had not been previously curated by ICSL or reported in the Human Gene Mutation Database (HGMD: prior to June 1st, 2018), and was therefore a candidate for classification through an automated scoring system. Utilizing variant allele frequency, disease prevalence and penetrance estimates, and inheritance mode, an automated score was calculated to assess if this variant is too frequent to cause the disease. Based on the score and internal cut-off values, a variant classified as benign is not then subjected to further curation. The score for this variant resulted in a classification of benign for this disease.

NM_153717.3(EVC):c.*2285C>G

Gene: EVC (EvC ciliary complex subunit 1; plus strand). Cytogenetic location: 4p16.2.
Variant type: single nucleotide variant.
Coding change: c.*2285C>G on transcript NM_153717.3 (MANE Select); 2285 bases downstream of the stop codon, C replaced by G.
Molecular consequence: 3 prime UTR variant.
Genome position (GRCh38, 1-based): chr4:5,813,322, C>G. VCF-style: chr4-5813322-C-G. GRCh37 (hg19) VCF-style: chr4-5815049-C-G.
Other names: c.*2285C>G (NM_001306090.2).
Identifiers: ClinVar variation 349268 (VCV000349268.5), dbSNP rs145479436, ClinGen allele CA10618986.